The following is an entry in ClinVar:

ClinVar aggregate classification (germline): Likely pathogenic (1 of 4 stars; one submission).

Conditions:
Autosomal recessive nonsyndromic hearing loss 3. Also called: NEUROSENSORY NONSYNDROMIC RECESSIVE DEAFNESS 3. Identifiers: Orphanet 90636, MedGen C1838263, MONDO:0010860, OMIM 600316.

gnomAD v4.1: 2 of 1,613,750 alleles (0.00012%); no homozygotes.

Submission:

Women's Health and Genetics/Laboratory Corporation of America, LabCorp
Classification: Likely pathogenic for Autosomal recessive nonsyndromic hearing loss 3. Last evaluated: 2025-11-13. Review status: criteria provided, single submitter. Criteria: LabCorp Variant Classification Summary - May 2015. Collection method: clinical testing. Allele origin: germline.
Comment: Variant summary: MYO15A c.7212+5G>A alters a conserved nucleotide located close to a canonical splice site and therefore could affect mRNA splicing, leading to a significantly altered protein sequence. Several computational tools predict a significant impact on normal splicing: One predicts the variant abolishes a 5' splicing donor site. Two predict the variant weakens a 5' donor site. One predicts the variant abolishes a cryptic 3' acceptor site. At least one publication reports experimental evidence that this variant affects mRNA splicing in an in vitro minigene assay, demonstrating the inclusion of 16 bp of intronic sequence resulting in a frameshift and predicted nascent stop codon in exon 36 (nonsense mediated decay expected) (example, Booth_2021). The variant allele was found at a frequency of 8e-06 in 249494 control chromosomes. c.7212+5G>A has been observed in trans with a pathogenic variant in at least 2 related individual(s) affected with Autosomal Recessive Nonsyndromic Hearing Loss 3, segregating with disease (example, Booth_2021). These data indicate that the variant may be associated with disease. The following publication have been ascertained in the context of this evaluation (PMID: 34733312). No submitters have cited clinical-significance assessments for this variant to ClinVar. Based on the evidence outlined above, the variant was classified as likely pathogenic.

Literature cited by the submitters: PubMed 34733312.

NM_016239.4(MYO15A):c.7212+5G>A

Gene: MYO15A (myosin XVA; plus strand). Cytogenetic location: 17p11.2.
Variant type: single nucleotide variant.
Coding change: c.7212+5G>A on transcript NM_016239.4 (MANE Select); 5 bases into the intron after coding-DNA position 7212, G replaced by A.
Molecular consequence: intron variant.
Genome position (GRCh38, 1-based): chr17:18,149,585, G>A. VCF-style: chr17-18149585-G-A. GRCh37 (hg19) VCF-style: chr17-18052899-G-A.
Identifiers: ClinVar variation 4536729 (VCV004536729.1).
Genomic context (GRCh38, chr17:18,149,585, plus strand): 5'-GGCTGGACTGCTACCTGGATAGCCTCTTTGACCCTGTGCTGTCCTACGGGGATGCGGTAG[G>A]GATGGTGTGGGGTGGGTCATTTGCAGACAGCAGGCACAGCATGTACACCCAAGTCACACA-3'